The following is an entry in ClinVar:

NM_017514.5(PLXNA3):c.928G>A (p.Val310Met)

Gene: PLXNA3 (plexin A3; plus strand). Cytogenetic location: Xq28.
Variant type: single nucleotide variant.
Coding change: c.928G>A on transcript NM_017514.5 (MANE Select); coding-DNA position 928, G replaced by A.
Protein change: p.Val310Met; replaces valine 310 with methionine.
Molecular consequence: missense variant.
Genome position (GRCh38, 1-based): chrX:154,461,432, G>A. VCF-style: chrX-154461432-G-A. GRCh37 (hg19) VCF-style: chrX-153689772-G-A.
Other names: short protein forms V310M.
Identifiers: ClinVar variation 2634131 (VCV002634131.3), dbSNP rs146580781, ClinGen allele CA10563860.
Genomic context (GRCh38, chrX:154,461,432, plus strand): 5'-CGCTTGGTGCAGAGCGCCCACCTGGCCAAGCCTGGCCTGCTGCTGGCCCAGGCCCTGGGC[G>A]TGCCGGCTGATGAGGACGTCCTCTTCACCATCTTCTCTCAGGGCCAGAAGAACCGGGCCA-3'
Protein context (NP_059984.3, residues 300-320): PGLLLAQALG[Val310Met]PADEDVLFTI

ClinVar aggregate classification (germline): Uncertain significance (1 of 4 stars; one submission).

Conditions:
PLXNA3-related disorder. Also called: PLXNA3-related condition.

Allele frequency attached by ClinVar (database versions not stated): ExAC 0.00006; gnomAD exomes 0.00008; ESP Exome Variant Server 0.00009; gnomAD 0.00010; TOPMed 0.00014; 1000 Genomes Project 0.00026; 1000 Genomes Project 30x 0.00042.

Submission:

PreventionGenetics, part of Exact Sciences
Classification: Uncertain significance for PLXNA3-related condition. Last evaluated: 2026-09-16. Review status: criteria provided, single submitter. Criteria: ACMG Guidelines, 2015. Collection method: clinical testing. Allele origin: germline.
Comment: The PLXNA3 c.928G>A variant is predicted to result in the amino acid substitution p.Val310Met. To our knowledge, this variant has not been reported in the literature. This variant is reported in 0.030% of alleles in individuals of African descent in gnomAD, including 4 hemizygotes, which is likely too frequent to be a primary cause of disease. Although we suspect that this variant may be benign, at this time, the clinical significance of this variant is uncertain due to the absence of conclusive functional and genetic evidence.